The following is an entry in ClinVar:

NC_000013.10:g.(103525694_103527656)_(103528352_?)del

Genes: BIVM-ERCC5 (BIVM-ERCC5 readthrough; plus strand), ERCC5 (ERCC excision repair 5, endonuclease; plus strand). Cytogenetic location: 13q33.1.
Variant type: Deletion.
Identifiers: ClinVar variation 2429125 (VCV002429125.3).

ClinVar aggregate classification (germline): Uncertain significance (1 of 4 stars; one submission).

Submission:

Women's Health and Genetics/Laboratory Corporation of America, LabCorp
Classification: Uncertain significance. Last evaluated: 2023-01-18. Review status: criteria provided, single submitter. Criteria: LabCorp Variant Classification Summary - May 2015. Collection method: clinical testing. Allele origin: germline.
Comment: Variant summary: The variant identified by MLPA or other technology involves the deletion of exon 15 (i.e. the last exon) in the ERCC5 gene. Since the exact breakpoint at the 3' end of this variant is unknown, therefore this deletion might extend downstream of the assayed region of the gene. A presumed nomenclature of c.(2964+1_2965-1)_(*99_?)del has been designated for the purposes of this classification. Although the exact breakpoints of this deletion are not known, it is not expected to cause nonsense mediated decay (NMD), but is predicted to cause a large truncation of the encoded protein (removing amino acids 989-1186, and likely replacing it with an incorrect sequence). The variant was absent in 21694 control chromosomes in the gnomAD database, structural variants data set. To our knowledge, no occurrence of c.(2964+1_2965-1)_(*99_?)del in individuals affected with Xeroderma Pigmentosum has been reported. At least one publication reported that a mouse model with the homozygous deletion of exon 15 (which corresponds to the removal of the last 183 amino acids in the mouse) exhibited normal growth and a normal life span, signifying that this variant didn't result in Cockayne syndrome (CS)-like phenotype (Shiomi_2004). On the other hand, embryonic fibroblasts derived from these mice were moderately UV-light sensitive (Shiomi_2004), however these data do not allow clear conclusions about the effects of exon 15 deletion in human cells. No clinical diagnostic laboratories have submitted clinical-significance assessments for this variant to ClinVar after 2014. Based on the evidence outlined above, the variant was classified as uncertain significance.

Literature cited by the submitters: PubMed 15082767.